The following is an entry in ClinVar:

NM_006941.4(SOX10):c.960G>A (p.Leu320=)

Genes: POLR2F (RNA polymerase II, I and III subunit F; plus strand), SOX10 (SRY-box transcription factor 10; minus strand). Cytogenetic location: 22q13.1.
Variant type: single nucleotide variant.
Coding change: c.960G>A on transcript NM_006941.4 (MANE Select); coding-DNA position 960, G replaced by A.
Protein change: p.Leu320=; no amino-acid change (leucine 320 retained).
Molecular consequence: synonymous variant. On other transcripts: intron variant (3).
Genome position (GRCh38, 1-based): chr22:37,973,936, C>T on the plus strand (G>A on the coding strand, the complement: SOX10 is on the minus strand). VCF-style: chr22-37973936-C-T. GRCh37 (hg19) VCF-style: chr22-38369943-C-T.
Other names: c.*38+1626C>T (NM_001363825.1); c.293+6766C>T (NM_001301130.2, NM_001301131.2).
Identifiers: ClinVar variation 4874608 (VCV004874608.2).

ClinVar aggregate classification (germline): Likely benign (1 of 4 stars; one submission).

gnomAD v4.1: 1 of 1,610,576 alleles (0.000062%); highest among the groups gnomAD compares: Non-Finnish European, 0.000085%; no homozygotes.

Submission:

CeGaT Center for Human Genetics Tuebingen
Classification: Likely benign. Last evaluated: 2026-04-01. Review status: criteria provided, single submitter. Criteria: CeGaT Center For Human Genetics Tuebingen Variant Classification Criteria Version 2. Collection method: clinical testing. Allele origin: germline. Affected: yes. Observed: 1 variant allele.
Comment: SOX10: BP4, BP7